The following is an entry in ClinVar:

ClinVar aggregate classification (germline): Uncertain significance (1 of 4 stars; one submission).

Conditions:
Primary familial hypertrophic cardiomyopathy (HCM). Identifiers: Orphanet 99739, MedGen C0949658, MeSH D024741, MONDO:0024573. Inheritance: Various modes of inheritance.
Dilated cardiomyopathy 1AA (CMD1AA). Also called: CARDIOMYOPATHY, DILATED, 1AA, WITH OR WITHOUT LEFT VENTRICULAR NONCOMPACTION; CARDIOMYOPATHY, FAMILIAL HYPERTROPHIC, 23, WITH OR WITHOUT LEFT VENTRICULAR NONCOMPACTION; Cardiomyopathy, dilated, 1AA, with or without LVNC. Identifiers: Orphanet 154, MedGen C2677338, MONDO:0012808, OMIM 612158.

Submission:

Labcorp Genetics (formerly Invitae), Labcorp
Classification: Uncertain significance for Primary familial hypertrophic cardiomyopathy; Dilated cardiomyopathy 1AA. Last evaluated: 2023-10-15. Review status: criteria provided, single submitter. Criteria: Invitae Variant Classification Sherloc (09022015). Collection method: clinical testing. Allele origin: germline.
Comment: This sequence change replaces phenylalanine, which is neutral and non-polar, with leucine, which is neutral and non-polar, at codon 521 of the ACTN2 protein (p.Phe521Leu). This variant is not present in population databases (gnomAD no frequency). This variant has not been reported in the literature in individuals affected with ACTN2-related conditions. Advanced modeling of protein sequence and biophysical properties (such as structural, functional, and spatial information, amino acid conservation, physicochemical variation, residue mobility, and thermodynamic stability) performed at Invitae indicates that this missense variant is not expected to disrupt ACTN2 protein function. In summary, the available evidence is currently insufficient to determine the role of this variant in disease. Therefore, it has been classified as a Variant of Uncertain Significance.

NM_001103.4(ACTN2):c.1563T>G (p.Phe521Leu)

Gene: ACTN2 (actinin alpha 2; plus strand). Cytogenetic location: 1q43.
Variant type: single nucleotide variant.
Coding change: c.1563T>G on transcript NM_001103.4 (MANE Select); coding-DNA position 1563, T replaced by G.
Protein change: p.Phe521Leu; replaces phenylalanine 521 with leucine.
Molecular consequence: missense variant. On other transcripts: non-coding transcript variant (1).
Genome position (GRCh38, 1-based): chr1:236,749,171, T>G. VCF-style: chr1-236749171-T-G. GRCh37 (hg19) VCF-style: chr1-236912471-T-G.
Other names: c.1563T>G, p.Phe521Leu (NM_001278343.2); c.939T>G, p.Phe313Leu (NM_001278344.2); c.813T>G, p.Phe271Leu (NM_001412150.1); short protein forms F313L, F271L, F521L.
Identifiers: ClinVar variation 2929906 (VCV002929906.3), dbSNP rs2527627734, ClinGen allele CA345384759.